The following is an entry in ClinVar:

NM_021930.6(RINT1):c.165T>C (p.Tyr55=)

Gene: RINT1 (RAD50 interactor 1; plus strand). Cytogenetic location: 7q22.3.
Variant type: single nucleotide variant.
Coding change: c.165T>C on transcript NM_021930.6 (MANE Select); coding-DNA position 165, T replaced by C.
Protein change: p.Tyr55=; no amino-acid change (tyrosine 55 retained).
Molecular consequence: synonymous variant. On other transcripts: 5 prime UTR variant (3), non-coding transcript variant (1), intron variant (1).
Genome position (GRCh38, 1-based): chr7:105,536,641, T>C. VCF-style: chr7-105536641-T-C. GRCh37 (hg19) VCF-style: chr7-105177088-T-C.
Other names: c.-855T>C (NM_001346600.2); c.-758T>C (NM_001346601.2); c.-378T>C (NM_001346603.2); c.39+29T>C (NM_001346599.2).
Identifiers: ClinVar variation 1777462 (VCV001777462.5), dbSNP rs1350432366, ClinGen allele CA457050359.

ClinVar aggregate classification (germline): Conflicting classifications of pathogenicity. Review status: criteria provided, conflicting classifications (1 of 4 stars). 2 submissions from 2 submitters: Uncertain significance (1); Likely benign (1). Last evaluated 2023-07-13.

gnomAD v4.1: 1 of 1,612,694 alleles (0.000062%); highest among the groups gnomAD compares: Non-Finnish European, 0.000085%; no homozygotes.

Submissions (2):

Labcorp Genetics (formerly Invitae), Labcorp
Classification: Uncertain significance. Last evaluated: 2023-07-13. Review status: criteria provided, single submitter. Criteria: Invitae Variant Classification Sherloc (09022015). Collection method: clinical testing. Allele origin: germline.
Comment: This sequence change affects codon 55 of the RINT1 mRNA. It is a 'silent' change, meaning that it does not change the encoded amino acid sequence of the RINT1 protein. This variant is not present in population databases (gnomAD no frequency). This variant has not been reported in the literature in individuals affected with RINT1-related conditions. ClinVar contains an entry for this variant (Variation ID: 1777462). Algorithms developed to predict the effect of sequence changes on RNA splicing suggest that this variant may disrupt the consensus splice site. In summary, the available evidence is currently insufficient to determine the role of this variant in disease. Therefore, it has been classified as a Variant of Uncertain Significance.

Ambry Genetics
Classification: Likely benign. Last evaluated: 2019-05-30. Review status: criteria provided, single submitter. Criteria: Ambry Variant Classification Scheme 2023. Collection method: clinical testing. Allele origin: germline.